The following is an entry in ClinVar:

NM_014339.7(IL17RA):c.2471C>A (p.Pro824Gln)

Gene: IL17RA (interleukin 17 receptor A; plus strand). Cytogenetic location: 22q11.1.
Variant type: single nucleotide variant.
Coding change: c.2471C>A on transcript NM_014339.7 (MANE Select); coding-DNA position 2471, C replaced by A.
Protein change: p.Pro824Gln; replaces proline 824 with glutamine.
Molecular consequence: missense variant.
Genome position (GRCh38, 1-based): chr22:17,109,690, C>A. VCF-style: chr22-17109690-C-A. GRCh37 (hg19) VCF-style: chr22-17590580-C-A.
Other names: c.2369C>A, p.Pro790Gln (NM_001289905.2); short protein forms P790Q, P824Q.
Identifiers: ClinVar variation 2056577 (VCV002056577.4), dbSNP rs749236026, ClinGen allele CA10086999.

ClinVar aggregate classification (germline): Uncertain significance (1 of 4 stars; one submission).

Conditions:
Immunodeficiency 51 (IMD51). Also called: CANDIDIASIS, FAMILIAL, 5. Identifiers: Orphanet 1334, MedGen C4310803, MONDO:0013500, OMIM 613953.

gnomAD v4.1: 16 of 1,578,046 alleles (0.001%); highest among the groups gnomAD compares: Admixed American, 0.028%; no homozygotes.

Submission:

Labcorp Genetics (formerly Invitae), Labcorp
Classification: Uncertain significance for Immunodeficiency 51. Last evaluated: 2024-11-12. Review status: criteria provided, single submitter. Criteria: Invitae Variant Classification Sherloc (09022015). Collection method: clinical testing. Allele origin: germline.
Comment: This sequence change replaces proline, which is neutral and non-polar, with glutamine, which is neutral and polar, at codon 824 of the IL17RA protein (p.Pro824Gln). This variant is present in population databases (rs749236026, gnomAD 0.04%). This variant has not been reported in the literature in individuals affected with IL17RA-related conditions. ClinVar contains an entry for this variant (Variation ID: 2056577). An algorithm developed to predict the effect of missense changes on protein structure and function (PolyPhen-2) suggests that this variant is likely to be tolerated. In summary, the available evidence is currently insufficient to determine the role of this variant in disease. Therefore, it has been classified as a Variant of Uncertain Significance.